The following is an entry in ClinVar:

ClinVar aggregate classification (germline): Uncertain significance (1 of 4 stars; one submission).

Submission:

Ambry Genetics
Classification: Uncertain significance. Last evaluated: 2026-03-09. Review status: criteria provided, single submitter. Criteria: Ambry Variant Classification Scheme 2023. Collection method: clinical testing. Allele origin: germline.
Comment: The p.F482S variant (also known as c.1445T>C), located in coding exon 10 of the RINT1 gene, results from a T to C substitution at nucleotide position 1445. The phenylalanine at codon 482 is replaced by serine, an amino acid with highly dissimilar properties. This amino acid position is conserved. In addition, this alteration is predicted to be deleterious by in silico analysis. Based on the available evidence, the clinical significance of this variant remains unclear.

NM_021930.6(RINT1):c.1445T>C (p.Phe482Ser)

Gene: RINT1 (RAD50 interactor 1; plus strand). Cytogenetic location: 7q22.3.
Variant type: single nucleotide variant.
Coding change: c.1445T>C on transcript NM_021930.6 (MANE Select); coding-DNA position 1445, T replaced by C.
Protein change: p.Phe482Ser; replaces phenylalanine 482 with serine.
Molecular consequence: missense variant. On other transcripts: non-coding transcript variant (1).
Genome position (GRCh38, 1-based): chr7:105,551,681, T>C. VCF-style: chr7-105551681-T-C. GRCh37 (hg19) VCF-style: chr7-105192128-T-C.
Other names: c.1211T>C, p.Phe404Ser (NM_001346599.2); c.422T>C, p.Phe141Ser (NM_001346600.2, NM_001346603.2); c.521T>C, p.Phe174Ser (NM_001346601.2); short protein forms F482S, F141S, F404S, F174S.
Identifiers: ClinVar variation 4825987 (VCV004825987.1).
Genomic context (GRCh38, chr7:105,551,681, plus strand): 5'-CGCAATATAAGGATATCACTGACGTGGATGAAATGAAAGTTCCAGATTGTGCAGAAACTT[T>C]TATGACTCTACTCTTGGTTATAACTGGTAAGTATGTCTTTTAAGATATGACTTTGTTTTA-3'
Protein context (NP_068749.3, residues 472-492): EMKVPDCAET[Phe482Ser]MTLLLVITDR